The following is an entry in ClinVar:

NM_000059.4(BRCA2):c.7658del (p.Asn2553fs)

Gene: BRCA2 (BRCA2 DNA repair associated; plus strand). Cytogenetic location: 13q13.1.
Variant type: Deletion.
Coding change: c.7658del on transcript NM_000059.4 (MANE Select); coding-DNA position 7658, one base deleted (A; older notation c.7658delA).
Protein change: p.Asn2553fs; shifts the reading frame from asparagine 2553.
Molecular consequence: frameshift variant.
Genome position (GRCh38, 1-based): chr13:32,357,782, A deleted; the last of 2 consecutive A bases (chr13:32,357,781-32,357,782); deleting either gives the same sequence. VCF-style (leftmost placement, unchanged base first): chr13-32357780-TA-T. GRCh37 (hg19) VCF-style: chr13-32931917-TA-T.
Other names: c.7658delA (NM_000059.3, NM_000059.4); short protein forms N2553fs.
Identifiers: ClinVar variation 947253 (VCV000947253.14), dbSNP rs2072708512, ClinGen allele CA1139663200.

ClinVar aggregate classification (germline): Pathogenic. Review status: criteria provided, multiple submitters, no conflicts (2 of 4 stars). 3 submissions from 3 submitters: Pathogenic (3). Last evaluated 2025-04-30.

Conditions:
BRCA2-related disorder. Also called: BRCA2-related condition; BRCA2-related disorders. Identifiers: MedGen CN239275.
Hereditary breast ovarian cancer syndrome. Also called: Hereditary breast and/or ovarian cancer syndrome; Hereditary breast and ovarian cancer syndrome; Hereditary breast and ovarian cancer syndrome (HBOC); Breast and ovarian cancer; BRCA1- and BRCA2-Associated Hereditary Breast and Ovarian Cancer; Hereditary breast and ovarian cancer. Identifiers: Orphanet 145, MedGen C0677776, MeSH D061325, MONDO:0003582. Disease mechanism: loss of function.
Hereditary cancer-predisposing syndrome. Also called: Hereditary neoplastic syndrome; Neoplastic Syndromes, Hereditary; Tumor predisposition; Hereditary Cancer Syndrome. Identifiers: Orphanet 140162, MedGen C0027672, MeSH D009386, MONDO:0015356.

Submissions (3):

Women's Health and Genetics/Laboratory Corporation of America, LabCorp
Classification: Pathogenic for Hereditary breast ovarian cancer syndrome. Last evaluated: 2025-04-30. Review status: criteria provided, single submitter. Criteria: LabCorp Variant Classification Summary - May 2015. Collection method: clinical testing. Allele origin: germline.
Comment: Variant summary: BRCA2 c.7658delA (p.Asn2553ThrfsX95) results in a premature termination codon, predicted to cause absence of the protein due to nonsense mediated decay, which is a commonly known mechanism for disease. At-least one downstream variant has been associated with disease (c.7958T>C p.Leu2653Pro). The variant was absent in 251126 control chromosomes. To our knowledge, no occurrence of c.7658delA in individuals affected with Hereditary Breast And Ovarian Cancer Syndrome and no experimental evidence demonstrating its impact on protein function have been reported. ClinVar contains an entry for this variant (Variation ID: 947253). Based on the evidence outlined above, the variant was classified as pathogenic.

Labcorp Genetics (formerly Invitae), Labcorp
Classification: Pathogenic for Hereditary breast ovarian cancer syndrome. Last evaluated: 2024-11-30. Review status: criteria provided, single submitter. Criteria: Invitae Variant Classification Sherloc (09022015). Collection method: clinical testing. Allele origin: germline.
Comment: This sequence change creates a premature translational stop signal (p.Asn2553Thrfs*95) in the BRCA2 gene. It is expected to result in an absent or disrupted protein product. Loss-of-function variants in BRCA2 are known to be pathogenic (PMID: 20104584). This variant is not present in population databases (gnomAD no frequency). This variant has not been reported in the literature in individuals affected with BRCA2-related conditions. ClinVar contains an entry for this variant (Variation ID: 947253). For these reasons, this variant has been classified as Pathogenic.

Ambry Genetics
Classification: Pathogenic for Hereditary cancer-predisposing syndrome. Last evaluated: 2022-10-18. Review status: criteria provided, single submitter. Criteria: Ambry Variant Classification Scheme 2023. Collection method: clinical testing. Allele origin: germline.
Comment: The c.7658delA pathogenic mutation, located in coding exon 15 of the BRCA2 gene, results from a deletion of one nucleotide at nucleotide position 7658, causing a translational frameshift with a predicted alternate stop codon (p.N2553Tfs*95). This variant is considered to be rare based on population cohorts in the Genome Aggregation Database (gnomAD). This alteration is expected to result in loss of function by premature protein truncation or nonsense-mediated mRNA decay. As such, this alteration is interpreted as a disease-causing mutation.

Literature cited by the submitters: PubMed 20104584 (cited by Labcorp Genetics (formerly Invitae), Labcorp).